The following is an entry in ClinVar:

ClinVar aggregate classification (germline): Uncertain significance. Review status: criteria provided, multiple submitters, no conflicts (2 of 4 stars). 2 submissions from 2 submitters: Uncertain significance (2). Last evaluated 2025-04-24.

Conditions:
Inborn genetic diseases. Identifiers: MedGen C0950123, MeSH D030342.
Immunodeficiency 36 with lymphoproliferation. Also called: ACTIVATED PI3K-DELTA SYNDROME 2; Immunodeficiency 36; Activated PI3K Delta Syndrome Type 2 (APDS2). Identifiers: Orphanet 397596, Orphanet 693681, MedGen C4014934, MONDO:0014453, OMIM 616005.
SHORT syndrome. Also called: LIPODYSTROPHY, PARTIAL, WITH RIEGER ANOMALY AND SHORT STATURE; PIK3R1-Related SHORT Syndrome; SHORT STATURE, HYPEREXTENSIBILITY, HERNIA, OCULAR DEPRESSION, RIEGER ANOMALY, AND TEETHING DELAY. Identifiers: Orphanet 3163, MedGen C0878684, MONDO:0010026, OMIM 269880.
Agammaglobulinemia 7, autosomal recessive (AGM7). Also called: AGAMMAGLOBULINEMIA, AUTOSOMAL RECESSIVE, DUE TO PIK3R1 DEFECT. Identifiers: MedGen C3554689, MONDO:0014083, OMIM 615214.

Allele frequency attached by ClinVar (database versions not stated): gnomAD exomes 0.00001 and 0.00002; ExAC 0.00002; gnomAD 0.00006; TOPMed 0.00009; ESP Exome Variant Server 0.00015; 1000 Genomes Project 30x 0.00016; 1000 Genomes Project 0.00020.
gnomAD v4.1: 23 of 1,613,808 alleles (0.0014%); highest among the groups gnomAD compares: African/African-American, 0.028%; no homozygotes.

Submissions (2):

Labcorp Genetics (formerly Invitae), Labcorp
Classification: Uncertain significance for SHORT syndrome; Immunodeficiency 36 with lymphoproliferation; Agammaglobulinemia 7, autosomal recessive. Last evaluated: 2025-04-24. Review status: criteria provided, single submitter. Criteria: Invitae Variant Classification Sherloc (09022015). Collection method: clinical testing. Allele origin: germline.
Comment: This sequence change replaces phenylalanine, which is neutral and non-polar, with leucine, which is neutral and non-polar, at codon 275 of the PIK3R1 protein (p.Phe275Leu). This variant is present in population databases (rs377030014, gnomAD 0.04%). This variant has not been reported in the literature in individuals affected with PIK3R1-related conditions. ClinVar contains an entry for this variant (Variation ID: 1444001). An algorithm developed to predict the effect of missense changes on protein structure and function (PolyPhen-2) suggests that this variant is likely to be tolerated. In summary, the available evidence is currently insufficient to determine the role of this variant in disease. Therefore, it has been classified as a Variant of Uncertain Significance.

Ambry Genetics
Classification: Uncertain significance for Inborn genetic diseases. Last evaluated: 2021-10-12. Review status: criteria provided, single submitter. Criteria: Ambry Variant Classification Scheme 2023. Collection method: clinical testing. Allele origin: germline.

NM_181523.3(PIK3R1):c.825C>A (p.Phe275Leu)

Gene: PIK3R1 (phosphoinositide-3-kinase regulatory subunit 1; plus strand). Cytogenetic location: 5q13.1.
Variant type: single nucleotide variant.
Coding change: c.825C>A on transcript NM_181523.3 (MANE Select); coding-DNA position 825, C replaced by A.
Protein change: p.Phe275Leu; replaces phenylalanine 275 with leucine.
Molecular consequence: missense variant.
Genome position (GRCh38, 1-based): chr5:68,280,718, C>A. VCF-style: chr5-68280718-C-A. GRCh37 (hg19) VCF-style: chr5-67576546-C-A.
Other names: c.825C>A (NM_181523.2); short protein forms F275L.
Identifiers: ClinVar variation 1444001 (VCV001444001.9), dbSNP rs377030014, ClinGen allele CA3290140.